The following is an entry in ClinVar:

NM_000548.5(TSC2):c.1946+4C>A

Gene: TSC2 (TSC complex subunit 2; plus strand). Cytogenetic location: 16p13.3.
Variant type: single nucleotide variant.
Coding change: c.1946+4C>A on transcript NM_000548.5 (MANE Select); 4 bases into the intron after coding-DNA position 1946, C replaced by A.
Molecular consequence: intron variant.
Genome position (GRCh38, 1-based): chr16:2,071,620, C>A. VCF-style: chr16-2071620-C-A. GRCh37 (hg19) VCF-style: chr16-2121621-C-A.
Other names: c.2036+4C>A (NM_001406668.1, NM_001406667.1); c.1346+4C>A (NM_001406680.1, NM_001406683.1, NM_001406687.1 and 6 more transcripts); c.602+4C>A (NM_001406693.1, NM_001406689.1, NM_001406690.1 and 6 more transcripts); c.344+4C>A (NM_001406698.1); c.1946+4C>A (NM_001114382.3, NM_001406663.1, NM_001406664.1 and 6 more transcripts); c.1934+4C>A (NM_001406671.1, NM_001406673.1); c.1484+4C>A (NM_001406681.1); c.1835+4C>A (NM_001406670.1, NM_001318827.2, NM_001406678.1); and 3 more.
Identifiers: ClinVar variation 4071117 (VCV004071117.1).

ClinVar aggregate classification (germline): Likely benign (1 of 4 stars; one submission).

Conditions:
Tuberous sclerosis 2 (TSC2). Identifiers: Orphanet 805, MedGen C1860707, MONDO:0013199, OMIM 613254.

Submission:

Myriad Genetics, Inc.
Classification: Likely benign for Tuberous sclerosis 2. Last evaluated: 2025-05-16. Review status: criteria provided, single submitter. Criteria: Myriad Autosomal Dominant, Autosomal Recessive and X-Linked Classification Criteria (2023). Collection method: clinical testing. Allele origin: unknown.
Comment: This variant is considered likely benign. This variant is intronic and is not expected to impact mRNA splicing.